The following is an entry in ClinVar:

NM_003239.5(TGFB3):c.136C>A (p.Gln46Lys)

Gene: TGFB3 (transforming growth factor beta 3; minus strand). Cytogenetic location: 14q24.3.
Variant type: single nucleotide variant.
Coding change: c.136C>A on transcript NM_003239.5 (MANE Select); coding-DNA position 136, C replaced by A.
Protein change: p.Gln46Lys; replaces glutamine 46 with lysine.
Molecular consequence: missense variant.
Genome position (GRCh38, 1-based): chr14:75,980,758, G>T on the plus strand (C>A on the coding strand, the complement: TGFB3 is on the minus strand). VCF-style: chr14-75980758-G-T. GRCh37 (hg19) VCF-style: chr14-76447101-G-T.
Other names: c.136C>A, p.Gln46Lys (NM_001329938.2, NM_001329939.2); short protein forms Q46K.
Identifiers: ClinVar variation 4685353 (VCV004685353.1).

ClinVar aggregate classification (germline): Uncertain significance (1 of 4 stars; one submission).

Submission:

GeneDx
Classification: Uncertain significance. Last evaluated: 2025-07-07. Review status: criteria provided, single submitter. Criteria: GeneDx Variant Classification Process June 2021. Collection method: clinical testing. Allele origin: germline. Affected: yes.
Comment: Not observed at significant frequency in large population cohorts (gnomAD); In silico analysis supports that this missense variant has a deleterious effect on protein structure/function; Has not been previously published as pathogenic or benign to our knowledge